The following is an entry in ClinVar:

ClinVar aggregate classification (germline): Conflicting classifications of pathogenicity. Review status: criteria provided, conflicting classifications (1 of 4 stars). 2 submissions from 2 submitters: Uncertain significance (1); Likely benign (1). Last evaluated 2025-05-25.

Conditions:
Inborn genetic diseases. Identifiers: MedGen C0950123, MeSH D030342.

Allele frequency attached by ClinVar (database versions not stated): gnomAD exomes below 0.00001; TOPMed 0.00001.

Submissions (2):

Ambry Genetics
Classification: Likely benign for Inborn genetic diseases. Last evaluated: 2025-05-25. Review status: criteria provided, single submitter. Criteria: Ambry Variant Classification Scheme 2023. Collection method: clinical testing. Allele origin: germline.

Labcorp Genetics (formerly Invitae), Labcorp
Classification: Uncertain significance. Last evaluated: 2023-01-20. Review status: criteria provided, single submitter. Criteria: Invitae Variant Classification Sherloc (09022015). Collection method: clinical testing. Allele origin: germline.
Comment: This variant has not been reported in the literature in individuals affected with DDX41-related conditions. This variant is present in population databases (no rsID available, gnomAD 0.006%). This sequence change replaces arginine, which is basic and polar, with cysteine, which is neutral and slightly polar, at codon 55 of the DDX41 protein (p.Arg55Cys). An algorithm developed to predict the effect of missense changes on protein structure and function (PolyPhen-2) suggests that this variant is likely to be tolerated. In summary, the available evidence is currently insufficient to determine the role of this variant in disease. Therefore, it has been classified as a Variant of Uncertain Significance.

NM_016222.4(DDX41):c.163C>T (p.Arg55Cys)

Gene: DDX41 (DEAD-box helicase 41; minus strand). Cytogenetic location: 5q35.3.
Variant type: single nucleotide variant.
Coding change: c.163C>T on transcript NM_016222.4 (MANE Select); coding-DNA position 163, C replaced by T.
Protein change: p.Arg55Cys; replaces arginine 55 with cysteine.
Molecular consequence: missense variant. On other transcripts: 5 prime UTR variant (2).
Genome position (GRCh38, 1-based): chr5:177,516,423, G>A on the plus strand (C>T on the coding strand, the complement: DDX41 is on the minus strand). VCF-style: chr5-177516423-G-A. GRCh37 (hg19) VCF-style: chr5-176943424-G-A.
Other names: c.163C>T (NM_016222.2); c.-216C>T (NM_001321732.2, NM_001321830.2); short protein forms R55C.
Identifiers: ClinVar variation 2972395 (VCV002972395.4), dbSNP rs1175013945, ClinGen allele CA362377465.